The following is an entry in ClinVar:

ClinVar aggregate classification (germline): Pathogenic (1 of 4 stars; one submission).

Conditions:
Cardiovascular phenotype. Identifiers: MedGen CN230736.
Hereditary cancer-predisposing syndrome. Also called: Hereditary Cancer Syndrome; Hereditary neoplastic syndrome; Neoplastic Syndromes, Hereditary; Tumor predisposition. Identifiers: Orphanet 140162, MedGen C0027672, MeSH D009386, MONDO:0015356.

Submission:

Ambry Genetics
Classification: Pathogenic for Cardiovascular phenotype; Hereditary cancer-predisposing syndrome. Last evaluated: 2022-08-24. Review status: criteria provided, single submitter. Criteria: Ambry Variant Classification Scheme 2023. Collection method: clinical testing. Allele origin: germline.
Comment: The c.1456_1468del13 pathogenic mutation, located in coding exon 14 of the LZTR1 gene, results from a deletion of 13 nucleotides at nucleotide positions 1456 to 1468, causing a translational frameshift with a predicted alternate stop codon (p.E486Pfs*66). This alteration is expected to result in loss of function by premature protein truncation or nonsense-mediated mRNA decay. Loss-of-function variants in LZTR1 are related to an increased risk for schwannomas and autosomal recessive Noonan syndrome; however, such associations with autosomal dominant Noonan syndrome have not been observed (Piotrowski A et al. Nat Genet. 2014 Feb;46:182-7; Yamamoto GL et al. J Med Genet. 2015 Jun;52:413-21; Johnston JJ et al. Genet Med. 2018 10;20:1175-1185). Based on the supporting evidence, this variant is pathogenic for an increased risk of LZTR1-related schwannomatosis (SWN) and would be expected to cause autosomal recessive Noonan syndrome when present along with a second pathogenic or likely pathogenic variant on the other allele; however, the association of this alteration with autosomal dominant Noonan syndrome is unlikely.

NM_006767.4(LZTR1):c.1456_1468del (p.Glu486fs)

Gene: LZTR1 (leucine zipper like post translational regulator 1; plus strand). Cytogenetic location: 22q11.21.
Variant type: Deletion.
Coding change: c.1456_1468del on transcript NM_006767.4 (MANE Select); coding-DNA positions 1456 to 1468, 13 bases deleted (GAGCAGGAGGCCG).
Protein change: p.Glu486fs; shifts the reading frame from glutamic acid 486.
Molecular consequence: frameshift variant.
Genome position (GRCh38, 1-based): chr22:20,994,110-20,994,122, GAGCAGGAGGCCG deleted; deleting any 13 consecutive bases within chr22:20,994,109-20,994,122 gives the same sequence; the c. name uses the placement nearest the transcript's 3' end. VCF-style (leftmost placement, unchanged base first): chr22-20994108-TGGAGCAGGAGGCC-T. GRCh37 (hg19) VCF-style: chr22-21348397-TGGAGCAGGAGGCC-T.
Other names: short protein forms E486fs.
Identifiers: ClinVar variation 1773053 (VCV001773053.2), dbSNP rs2518620707, ClinGen allele CA513699179.